The following is an entry in ClinVar:

ClinVar aggregate classification (germline): Uncertain significance (1 of 4 stars; one submission).

Conditions:
Inborn genetic diseases. Identifiers: MedGen C0950123, MeSH D030342.

Submission:

Ambry Genetics
Classification: Uncertain significance for Inborn genetic diseases. Last evaluated: 2025-06-21. Review status: criteria provided, single submitter. Criteria: Ambry Variant Classification Scheme 2023. Collection method: clinical testing. Allele origin: germline.
Comment: The p.E1016K variant (also known as c.3046G>A), located in coding exon 14 of the MECOM gene, results from a G to A substitution at nucleotide position 3046. The glutamic acid at codon 1016 is replaced by lysine, an amino acid with similar properties. This amino acid position is conserved. In addition, the in silico prediction for this alteration is inconclusive. Based on the available evidence, the clinical significance of this variant remains unclear.

NM_004991.4(MECOM):c.3046G>A (p.Glu1016Lys)

Gene: MECOM (MDS1 and EVI1 complex locus; minus strand). Cytogenetic location: 3q26.2.
Variant type: single nucleotide variant.
Coding change: c.3046G>A on transcript NM_004991.4 (MANE Select); coding-DNA position 3046, G replaced by A.
Protein change: p.Glu1016Lys; replaces glutamic acid 1016 with lysine.
Molecular consequence: missense variant.
Genome position (GRCh38, 1-based): chr3:169,093,076, C>T on the plus strand (G>A on the coding strand, the complement: MECOM is on the minus strand). VCF-style: chr3-169093076-C-T. GRCh37 (hg19) VCF-style: chr3-168810864-C-T.
Other names: c.2677G>A, p.Glu893Lys (NM_001105077.4); c.2482G>A, p.Glu828Lys (NM_001105078.4, NM_001205194.2, NM_001366469.2 and 1 more transcripts); c.2458G>A, p.Glu820Lys (NM_001163999.2, NM_001366470.2); c.2455G>A, p.Glu819Lys (NM_001164000.2, NM_001366471.2, NM_001366472.2); c.3019G>A, p.Glu1007Lys (NM_001366466.2); c.2485G>A, p.Glu829Lys (NM_001366467.2, NM_001366468.2); c.2047G>A, p.Glu683Lys (NM_001366473.2); c.1483G>A, p.Glu495Lys (NM_001366474.2); short protein forms E893K, E1016K, E495K, E1007K, E683K, E819K, E820K, E828K.
Identifiers: ClinVar variation 4105731 (VCV004105731.1).
Genomic context (GRCh38, chr3:169,093,076, plus strand): 5'-GAATTTCTGTGAAGTAAGCATCTTCTTTGTCATCCAGAATCGCACCTGTACTTTCCAGTT[C>T]AGAATGAGGCGACGATGTTGCTGTACCTGTGTGGAGCAGAAAGCCTTTTATGACAAAGAT-3'
Protein context (NP_004982.2, residues 1006-1026): SGTATSSPHS[Glu1016Lys]LESTGAILDD